The following is an entry in ClinVar:

NM_005360.5(MAF):c.696_710del (p.Gly234_Gly238del)

Gene: MAF (MAF bZIP transcription factor; minus strand). Cytogenetic location: 16q23.2.
Variant type: Deletion.
Coding change: c.696_710del on transcript NM_005360.5 (MANE Select); coding-DNA positions 696 to 710, 15 bases deleted (CGGCGGAGGCGGCGG).
Protein change: p.Gly234_Gly238del.
Molecular consequence: inframe deletion.
Genome position (GRCh38, 1-based): chr16:79,599,193-79,599,207, CCGCCGCCTCCGCCG deleted on the plus strand (CGGCGGAGGCGGCGG on the coding strand, the reverse complement: MAF is on the minus strand); deleting any 15 consecutive bases within chr16:79,599,193-79,599,215 gives the same sequence; the c. name uses the placement nearest the transcript's 3' end. VCF-style (leftmost placement, unchanged base first): chr16-79599192-CCCGCCGCCTCCGCCG-C. GRCh37 (hg19) VCF-style: chr16-79633089-CCCGCCGCCTCCGCCG-C.
Other names: c.696_710del, p.Gly234_Gly238del (NM_001031804.3); c.696_710del15 (NM_005360.4).
Identifiers: ClinVar variation 474937 (VCV000474937.33), dbSNP rs1229626204, ClinGen allele CA624015126.

ClinVar aggregate classification (germline): Benign/Likely benign. Review status: criteria provided, multiple submitters, no conflicts (2 of 4 stars). 4 submissions from 4 submitters: Benign (1); Likely benign (3). Last evaluated 2025-11-29.

Conditions:
Inborn genetic diseases. Identifiers: MedGen C0950123, MeSH D030342.
Cataract 21 multiple types. Also called: CATARACT 21, MULTIPLE TYPES, WITH MICROCORNEA; CATARACT 21, MULTIPLE TYPES, WITH OR WITHOUT MICROCORNEA; CATARACT 21, CERULEAN, WITH OR WITHOUT MICROCORNEA; Cataract, congenital, cerulean type, 4. Identifiers: Orphanet 91492, MedGen C1857768, MONDO:0012437, OMIM 610202.
Ayme-Gripp syndrome. Also called: Aymé-Gripp Syndrome. Identifiers: MedGen C1832812, MONDO:0010992, OMIM 601088.
MAF-related disorder. Also called: MAF-related condition.

Submissions (4):

Labcorp Genetics (formerly Invitae), Labcorp
Classification: Likely benign for Cataract 21 multiple types; Ayme-Gripp syndrome. Last evaluated: 2025-11-29. Review status: criteria provided, single submitter. Criteria: Invitae Variant Classification Sherloc (09022015). Collection method: clinical testing. Allele origin: germline.

CeGaT Center for Human Genetics Tuebingen
Classification: Likely benign. Last evaluated: 2025-11-01. Review status: criteria provided, single submitter. Criteria: CeGaT Center For Human Genetics Tuebingen Variant Classification Criteria Version 2. Collection method: clinical testing. Allele origin: germline. Affected: yes. Observed: 2 variant alleles.
Comment: MAF: BS1

PreventionGenetics, part of Exact Sciences
Classification: Benign for MAF-related condition. Last evaluated: 2025-02-18. Review status: criteria provided, single submitter. Criteria: ACMG Guidelines, 2015. Collection method: clinical testing. Allele origin: germline.
Comment: This variant is classified as benign based on ACMG/AMP sequence variant interpretation guidelines (Richards et al. 2015 PMID: 25741868, with internal and published modifications).

Ambry Genetics
Classification: Likely benign for Inborn genetic diseases. Last evaluated: 2022-04-20. Review status: criteria provided, single submitter. Criteria: Ambry Variant Classification Scheme 2023. Collection method: clinical testing. Allele origin: germline.